The following is an entry in ClinVar:

ClinVar aggregate classification (germline): Uncertain significance. Review status: criteria provided, multiple submitters, no conflicts (2 of 4 stars). 2 submissions from 2 submitters: Uncertain significance (2). Last evaluated 2023-05-17.

Conditions:
Inborn genetic diseases. Identifiers: MedGen C0950123, MeSH D030342.
Immunodeficiency 23 (IMD23). Also called: IMMUNODEFICIENCY WITH HYPER IgE AND COGNITIVE IMPAIRMENT; IMMUNODEFICIENCY-VASCULITIS-MYOCLONUS SYNDROME. Identifiers: Orphanet 443811, MedGen C4014371, MONDO:0014353, OMIM 615816.

Allele frequency attached by ClinVar (database versions not stated): TOPMed 0.00002; gnomAD 0.00001; ExAC 0.00002; ESP Exome Variant Server 0.00008; gnomAD exomes 0.00001.

Submissions (2):

Ambry Genetics
Classification: Uncertain significance for Inborn genetic diseases. Last evaluated: 2023-05-17. Review status: criteria provided, single submitter. Criteria: Ambry Variant Classification Scheme 2023. Collection method: clinical testing. Allele origin: germline.

Labcorp Genetics (formerly Invitae), Labcorp
Classification: Uncertain significance for Immunodeficiency 23. Last evaluated: 2022-08-23. Review status: criteria provided, single submitter. Criteria: Invitae Variant Classification Sherloc (09022015). Collection method: clinical testing. Allele origin: germline.
Comment: This sequence change replaces threonine, which is neutral and polar, with methionine, which is neutral and non-polar, at codon 199 of the PGM3 protein (p.Thr199Met). This variant is present in population databases (rs368371936, gnomAD 0.007%). This variant has not been reported in the literature in individuals affected with PGM3-related conditions. ClinVar contains an entry for this variant (Variation ID: 1442899). Algorithms developed to predict the effect of missense changes on protein structure and function are either unavailable or do not agree on the potential impact of this missense change (SIFT: "Deleterious"; PolyPhen-2: "Probably Damaging"; Align-GVGD: "Class C0"). In summary, the available evidence is currently insufficient to determine the role of this variant in disease. Therefore, it has been classified as a Variant of Uncertain Significance.

NM_015599.3(PGM3):c.512C>T (p.Thr171Met)

Gene: PGM3 (phosphoglucomutase 3; minus strand). Cytogenetic location: 6q14.1.
Variant type: single nucleotide variant.
Coding change: c.512C>T on transcript NM_015599.3 (MANE Select); coding-DNA position 512, C replaced by T.
Protein change: p.Thr171Met; replaces threonine 171 with methionine.
Molecular consequence: missense variant. On other transcripts: non-coding transcript variant (1).
Genome position (GRCh38, 1-based): chr6:83,182,924, G>A on the plus strand (C>T on the coding strand, the complement: PGM3 is on the minus strand). VCF-style: chr6-83182924-G-A. GRCh37 (hg19) VCF-style: chr6-83892643-G-A.
Other names: c.596C>T, p.Thr199Met (NM_001199917.2, NM_001367287.1); c.269C>T, p.Thr90Met (NM_001199918.2); c.512C>T, p.Thr171Met (NM_001199919.2, NM_001367286.1); c.596C>T (NM_001199917.1); short protein forms T90M, T199M, T171M.
Identifiers: ClinVar variation 1442899 (VCV001442899.4), dbSNP rs368371936, ClinGen allele CA3906735.
Genomic context (GRCh38, chr6:83,182,924, plus strand): 5'-AAAGCCTTAGAGAGTTTCTGGTAGTAACCTTCTATAGTTGCCTTTCCATATCGGCCACCC[G>A]TGTTTCGACAATACACCATGTAGTGCAGCTGGGGTGTTGTTAACAAGCCATAATCTGTCA-3'
Protein context (NP_056414.1, residues 161-181): QLHYMVYCRN[Thr171Met]GGRYGKATIE